The following is an entry in ClinVar:

NM_001349253.2(SCN11A):c.1621G>A (p.Glu541Lys)

Gene: SCN11A (sodium voltage-gated channel alpha subunit 11; minus strand). Cytogenetic location: 3p22.2.
Variant type: single nucleotide variant.
Coding change: c.1621G>A on transcript NM_001349253.2 (MANE Select); coding-DNA position 1621, G replaced by A.
Protein change: p.Glu541Lys; replaces glutamic acid 541 with lysine.
Molecular consequence: missense variant.
Genome position (GRCh38, 1-based): chr3:38,904,086, C>T on the plus strand (G>A on the coding strand, the complement: SCN11A is on the minus strand). VCF-style: chr3-38904086-C-T. GRCh37 (hg19) VCF-style: chr3-38945577-C-T.
Other names: c.1621G>A, p.Glu541Lys (NM_014139.3); short protein forms E541K.
Identifiers: ClinVar variation 662621 (VCV000662621.5), dbSNP rs1553638689, ClinGen allele CA352164893.
Genomic context (GRCh38, chr3:38,904,086, plus strand): 5'-GGCAACAGTTCCACACGAGGTACTTGGATGCCAGGTTTTCTCCACAAGGGAGACAAGGCT[C>T]TTGTGATTTTTCTTGTTCTGGAGGAGAATGAGCGAGAGGTTGAGGAGTTAGCTCTGAAGC-3'
Protein context (NP_001336182.1, residues 531-551): ITMKEQEKSQ[Glu541Lys]PCLPCGENLA

ClinVar aggregate classification (germline): Uncertain significance (1 of 4 stars; one submission).

Conditions:
Familial episodic pain syndrome with predominantly lower limb involvement. Also called: Episodic pain syndrome, familial, 3. Identifiers: Orphanet 391384, Orphanet 391392, MedGen C3809899, MONDO:0014247, OMIM 615552.
Hereditary sensory and autonomic neuropathy type 7. Also called: Neuropathy, hereditary sensory and autonomic, type VII; HSAN VII. Identifiers: Orphanet 391397, MedGen C3809882, MONDO:0014244, OMIM 615548.

gnomAD v4.1: 4 of 1,571,392 alleles (0.00025%); highest among the groups gnomAD compares: Middle Eastern, 0.017%; no homozygotes.

Submission:

Labcorp Genetics (formerly Invitae), Labcorp
Classification: Uncertain significance for Familial episodic pain syndrome with predominantly lower limb involvement; Hereditary sensory and autonomic neuropathy type 7. Last evaluated: 2026-01-19. Review status: criteria provided, single submitter. Criteria: Invitae Variant Classification Sherloc (09022015). Collection method: clinical testing. Allele origin: germline.
Comment: This sequence change replaces glutamic acid, which is acidic and polar, with lysine, which is basic and polar, at codon 541 of the SCN11A protein (p.Glu541Lys). This variant is not present in population databases (gnomAD no frequency). This missense change has been observed in individual(s) with clinical features of SCN11A-related conditions (internal data). ClinVar contains an entry for this variant (Variation ID: 662621). Invitae Evidence Modeling of protein sequence and biophysical properties (such as structural, functional, and spatial information, amino acid conservation, physicochemical variation, residue mobility, and thermodynamic stability) indicates that this missense variant is not expected to disrupt SCN11A protein function with a negative predictive value of 80%. In summary, the available evidence is currently insufficient to determine the role of this variant in disease. Therefore, it has been classified as a Variant of Uncertain Significance.